The following is an entry in ClinVar:

ClinVar aggregate classification (germline): Uncertain significance (1 of 4 stars; one submission).

Conditions:
Charcot-Marie-Tooth disease type 2. Also called: Charcot-Marie-Tooth type 2. Identifiers: Orphanet 64746, MedGen C0270914, MONDO:0018993.

Submission:

Labcorp Genetics (formerly Invitae), Labcorp
Classification: Uncertain significance for Charcot-Marie-Tooth disease type 2. Last evaluated: 2019-06-05. Review status: criteria provided, single submitter. Criteria: Invitae Variant Classification Sherloc (09022015). Collection method: clinical testing. Allele origin: germline.
Comment: Algorithms developed to predict the effect of missense changes on protein structure and function (SIFT, PolyPhen-2, Align-GVGD) all suggest that this variant is likely to be tolerated, but these predictions have not been confirmed by published functional studies and their clinical significance is uncertain. In summary, the available evidence is currently insufficient to determine the role of this variant in disease. Therefore, it has been classified as a Variant of Uncertain Significance. This variant has not been reported in the literature in individuals with AARS-related conditions. This variant is not present in population databases (ExAC no frequency). This sequence change replaces glutamine with proline at codon 960 of the AARS protein (p.Gln960Pro). The glutamine residue is moderately conserved and there is a moderate physicochemical difference between glutamine and proline.

NM_001605.3(AARS1):c.2879A>C (p.Gln960Pro)

Gene: AARS1 (alanyl-tRNA synthetase 1; minus strand). Cytogenetic location: 16q22.1.
Variant type: single nucleotide variant.
Coding change: c.2879A>C on transcript NM_001605.3 (MANE Select); coding-DNA position 2879, A replaced by C.
Protein change: p.Gln960Pro; replaces glutamine 960 with proline.
Molecular consequence: missense variant.
Genome position (GRCh38, 1-based): chr16:70,252,749, T>G on the plus strand (A>C on the coding strand, the complement: AARS1 is on the minus strand). VCF-style: chr16-70252749-T-G. GRCh37 (hg19) VCF-style: chr16-70286652-T-G.
Other names: short protein forms Q960P.
Identifiers: ClinVar variation 946848 (VCV000946848.9), dbSNP rs1959872136, ClinGen allele CA396553552.